The following is an entry in ClinVar:

ClinVar aggregate classification (germline): Uncertain significance. Review status: criteria provided, multiple submitters, no conflicts (2 of 4 stars). 2 submissions from 2 submitters: Uncertain significance (2). Last evaluated 2025-07-14.

Submissions (2):

GeneDx
Classification: Uncertain significance. Last evaluated: 2025-07-14. Review status: criteria provided, single submitter. Criteria: GeneDx Variant Classification Process June 2021. Collection method: clinical testing. Allele origin: germline. Affected: yes.
Comment: Not observed at significant frequency in large population cohorts (gnomAD); In-frame deletion of 24 amino acid(s) in a non-repeat region; Has not been previously published as pathogenic or benign to our knowledge

Labcorp Genetics (formerly Invitae), Labcorp
Classification: Uncertain significance. Last evaluated: 2021-04-23. Review status: criteria provided, single submitter. Criteria: Invitae Variant Classification Sherloc (09022015). Collection method: clinical testing. Allele origin: germline.
Comment: This variant, c.1050_1121del, results in the deletion of 24 amino acid(s) of the CCDC8 protein (p.Glu350_Ala373del), but otherwise preserves the integrity of the reading frame. This variant is not present in population databases (ExAC no frequency). This variant has not been reported in the literature in individuals with CCDC8-related conditions. Experimental studies and prediction algorithms are not available or were not evaluated, and the functional significance of this variant is currently unknown. In summary, the available evidence is currently insufficient to determine the role of this variant in disease. Therefore, it has been classified as a Variant of Uncertain Significance.

NM_032040.5(CCDC8):c.1050_1121del (p.Glu350_Ala373del)

Gene: CCDC8 (coiled-coil domain containing 8 subunit of 3M complex; minus strand). Cytogenetic location: 19q13.32.
Variant type: Deletion.
Coding change: c.1050_1121del on transcript NM_032040.5 (MANE Select); coding-DNA positions 1050 to 1121, 72 bases deleted.
Protein change: p.Glu350_Ala373del.
Molecular consequence: inframe deletion.
Genome position (GRCh38, 1-based): chr19:46,411,690-46,411,761, 72 bases deleted. GRCh37 (hg19): chr19:46,914,959-46,915,030.
Other names: c.1050_1121del (NM_032040.4).
Identifiers: ClinVar variation 1419885 (VCV001419885.9), dbSNP rs1568589156, ClinGen allele CA633483608.